The following is an entry in ClinVar:

NM_001369.3(DNAH5):c.985G>T (p.Glu329Ter)

Gene: DNAH5 (dynein axonemal heavy chain 5; minus strand). Cytogenetic location: 5p15.2.
Variant type: single nucleotide variant.
Coding change: c.985G>T on transcript NM_001369.3 (MANE Select); coding-DNA position 985, G replaced by T.
Protein change: p.Glu329Ter; replaces glutamic acid 329 with a stop codon.
Molecular consequence: nonsense.
Genome position (GRCh38, 1-based): chr5:13,917,247, C>A on the plus strand (G>T on the coding strand, the complement: DNAH5 is on the minus strand). VCF-style: chr5-13917247-C-A. GRCh37 (hg19) VCF-style: chr5-13917356-C-A.
Other names: short protein forms E329*.
Identifiers: ClinVar variation 1076200 (VCV001076200.8), dbSNP rs2151986932, ClinGen allele CA359218212.

ClinVar aggregate classification (germline): Pathogenic. Review status: criteria provided, multiple submitters, no conflicts (2 of 4 stars). 2 submissions from 2 submitters: Pathogenic (2). Last evaluated 2026-02-25.

Conditions:
Primary ciliary dyskinesia 3. Identifiers: Orphanet 244, MedGen C1837618, MONDO:0012085, OMIM 608644.
Primary ciliary dyskinesia. Also called: Ciliary dyskinesia. Identifiers: Orphanet 244, MedGen C0008780, MONDO:0016575, HP:0012265.

Submissions (2):

Myriad Genetics, Inc.
Classification: Pathogenic for Primary ciliary dyskinesia 3. Last evaluated: 2026-02-25. Review status: criteria provided, single submitter. Criteria: Myriad Autosomal Dominant, Autosomal Recessive and X-Linked Classification Criteria (2023). Collection method: clinical testing. Allele origin: unknown.
Comment: NM_001369.2(DNAH5):c.985G>T(E329*) is expected to be pathogenic in the context of primary ciliary dyskinesia, DNAH5-related. This variant is predicted to lead to an abnormal or absent protein product due to the creation of a premature termination codon in DNAH5, a gene where loss-of-function variants are known to be pathogenic. Please note: this variant was assessed in the context of healthy population screening.

Labcorp Genetics (formerly Invitae), Labcorp
Classification: Pathogenic for Primary ciliary dyskinesia. Last evaluated: 2020-04-17. Review status: criteria provided, single submitter. Criteria: Invitae Variant Classification Sherloc (09022015). Collection method: clinical testing. Allele origin: germline.
Comment: This variant is not present in population databases (ExAC no frequency). This variant has not been reported in the literature in individuals with DNAH5-related conditions. Algorithms developed to predict the effect of sequence changes on RNA splicing suggest that this variant may create or strengthen a splice site, but this prediction has not been confirmed by published transcriptional studies. Loss-of-function variants in DNAH5 are known to be pathogenic (PMID: 11788826, 16627867). For these reasons, this variant has been classified as Pathogenic. This sequence change creates a premature translational stop signal (p.Glu329*) in the DNAH5 gene. It is expected to result in an absent or disrupted protein product.

Literature cited by the submitters: PubMed 11788826 (cited by Labcorp Genetics (formerly Invitae), Labcorp); PubMed 16627867 (cited by Labcorp Genetics (formerly Invitae), Labcorp).